The following is an entry in ClinVar:

NM_020964.3(EPG5):c.5754A>C (p.Ser1918=)

Gene: EPG5 (ectopic P-granules 5 autophagy tethering factor; minus strand). Cytogenetic location: 18q12.3.
Variant type: single nucleotide variant.
Coding change: c.5754A>C on transcript NM_020964.3 (MANE Select); coding-DNA position 5754, A replaced by C.
Protein change: p.Ser1918=; no amino-acid change (serine 1918 retained).
Molecular consequence: synonymous variant.
Genome position (GRCh38, 1-based): chr18:45,879,128, T>G on the plus strand (A>C on the coding strand, the complement: EPG5 is on the minus strand). VCF-style: chr18-45879128-T-G. GRCh37 (hg19) VCF-style: chr18-43459093-T-G.
Other names: c.5754A>C (NM_020964.2).
Identifiers: ClinVar variation 1090934 (VCV001090934.13), dbSNP rs1031904479, ClinGen allele CA299710945.
Genomic context (GRCh38, chr18:45,879,128, plus strand): 5'-CAGCCTTTTCACAAGGTAGCCCAAGAATGTCTTCACATCAGCCATATAAGGACTCCATTT[T>G]GAGAATAAACCAAAGCTTTTAAAGTCCATCTTGGATAACCGAAGCTTATAAAAAAAGTCT-3'
Protein context (NP_066015.2, residues 1908-1928): KMDFKSFGLF[Ser1918=]KWSPYMADVK

ClinVar aggregate classification (germline): Likely benign. Review status: criteria provided, multiple submitters, no conflicts (2 of 4 stars). 3 submissions from 3 submitters: Likely benign (3). Last evaluated 2026-04-01.

Conditions:
EPG5-related disorder. Also called: EPG5-related condition. Identifiers: MedGen CN381528.
Vici syndrome (VICIS). Identifiers: Orphanet 1493, MedGen C1855772, MONDO:0009452, OMIM 242840.

Allele frequency attached by ClinVar (database versions not stated): TOPMed 0.00002; gnomAD exomes 0.00004 and 0.00002; gnomAD 0.00001.
gnomAD v4.1: 65 of 1,614,042 alleles (0.004%); highest among the groups gnomAD compares: Non-Finnish European, 0.0054%; no homozygotes.

Submissions (3):

CeGaT Center for Human Genetics Tuebingen
Classification: Likely benign. Last evaluated: 2026-04-01. Review status: criteria provided, single submitter. Criteria: CeGaT Center For Human Genetics Tuebingen Variant Classification Criteria Version 2. Collection method: clinical testing. Allele origin: germline. Affected: yes. Observed: 1 variant allele.
Comment: EPG5: BP4, BP7

PreventionGenetics, part of Exact Sciences
Classification: Likely benign for EPG5-related condition. Last evaluated: 2025-01-10. Review status: criteria provided, single submitter. Criteria: ACMG Guidelines, 2015. Collection method: clinical testing. Allele origin: germline.
Comment: This variant is classified as likely benign based on ACMG/AMP sequence variant interpretation guidelines (Richards et al. 2015 PMID: 25741868, with internal and published modifications).

Labcorp Genetics (formerly Invitae), Labcorp
Classification: Likely benign for Vici syndrome. Last evaluated: 2024-03-28. Review status: criteria provided, single submitter. Criteria: Invitae Variant Classification Sherloc (09022015). Collection method: clinical testing. Allele origin: germline.